The following is an entry in ClinVar:

NM_021619.3(PRDM12):c.173G>C (p.Ser58Thr)

Gene: PRDM12 (PR/SET domain 12; plus strand). Cytogenetic location: 9q34.12.
Variant type: single nucleotide variant.
Coding change: c.173G>C on transcript NM_021619.3 (MANE Select); coding-DNA position 173, G replaced by C.
Protein change: p.Ser58Thr; replaces serine 58 with threonine.
Molecular consequence: missense variant.
Genome position (GRCh38, 1-based): chr9:130,664,826, G>C. VCF-style: chr9-130664826-G-C. GRCh37 (hg19) VCF-style: chr9-133540213-G-C.
Other names: short protein forms S58T.
Identifiers: ClinVar variation 3703451 (VCV003703451.3).

ClinVar aggregate classification (germline): Uncertain significance. Review status: criteria provided, multiple submitters, no conflicts (2 of 4 stars). 2 submissions from 2 submitters: Uncertain significance (2). Last evaluated 2024-06-26.

Conditions:
Congenital insensitivity to pain-hypohidrosis syndrome. Also called: HSAN VIII; Neuropathy, hereditary sensory and autonomic, type VIII. Identifiers: Orphanet 478664, MedGen C4225308, MONDO:0014662, OMIM 616488.

gnomAD v4.1: 3 of 1,558,530 alleles (0.00019%); highest among the groups gnomAD compares: Non-Finnish European, 0.00026%; no homozygotes.

Submissions (2):

Labcorp Genetics (formerly Invitae), Labcorp
Classification: Uncertain significance for Congenital insensitivity to pain-hypohidrosis syndrome. Last evaluated: 2024-06-26. Review status: criteria provided, single submitter. Criteria: Invitae Variant Classification Sherloc (09022015). Collection method: clinical testing. Allele origin: germline.
Comment: This sequence change replaces serine, which is neutral and polar, with threonine, which is neutral and polar, at codon 58 of the PRDM12 protein (p.Ser58Thr). This variant is not present in population databases (gnomAD no frequency). This variant has not been reported in the literature in individuals affected with PRDM12-related conditions. Advanced modeling of protein sequence and biophysical properties (such as structural, functional, and spatial information, amino acid conservation, physicochemical variation, residue mobility, and thermodynamic stability) performed at Invitae indicates that this missense variant is not expected to disrupt PRDM12 protein function with a negative predictive value of 80%. In summary, the available evidence is currently insufficient to determine the role of this variant in disease. Therefore, it has been classified as a Variant of Uncertain Significance.

Blueprint Genetics
Classification: Uncertain significance. Last evaluated: 2019-08-28. Review status: criteria provided, single submitter. Criteria: ACMG Guidelines, 2015. Collection method: clinical testing. Allele origin: germline.